The following is an entry in ClinVar:

NM_001099922.3(ALG13):c.3322TCT[1] (p.Ser1109del)

Gene: ALG13 (ALG13 UDP-N-acetylglucosaminyltransferase subunit; plus strand). Cytogenetic location: Xq23.
Variant type: Microsatellite.
Coding change: c.3322TCT[1] on transcript NM_001099922.3 (MANE Select); one copy of the 3-base unit TCT starting at c.3322; the reference has two copies in a row; one copy, 3 bases deleted.
Protein change: p.Ser1109del; deletes serine 1109.
Molecular consequence: inframe deletion. On other transcripts: non-coding transcript variant (1).
Genome position (GRCh38, 1-based): chrX:111,759,910-111,759,912, TCT deleted; deleting any 3 consecutive bases within chrX:111,759,906-111,759,912 gives the same sequence; the position shown is the placement nearest the transcript's 3' end. VCF-style (leftmost placement, unchanged base first): chrX-111759905-GTTC-G. GRCh37 (hg19) VCF-style: chrX-111003133-GTTC-G.
Other names: c.2773TCT[1], p.Ser926del (NM_001257230.2, NM_001257234.2, NM_001257237.2); c.3088TCT[1], p.Ser1031del (NM_001257231.2); c.3085TCT[1], p.Ser1030del (NM_001324292.2); c.2599TCT[1], p.Ser868del (NM_001324293.1); short protein forms S1030del, S1031del, S1109del, S868del, S926del.
Identifiers: ClinVar variation 1306981 (VCV001306981.2), dbSNP rs1222713795, ClinGen allele CA870059240.
Genomic context (GRCh38, chrX:111,759,905, plus strand): 5'-CGGTTGTGCCAGATTATTCCTGTGTTCCCCCCTGGCATCCAGTTGGTACAGCATATGGTG[GTTC>G]TTCTCAAATTCATGGTGCTATAAATCCTGGGCCAATTGGCTGTATTGCTCCATCTCCCCC-3'

ClinVar aggregate classification (germline): Uncertain significance (1 of 4 stars; one submission).

Submission:

GeneDx
Classification: Uncertain significance. Last evaluated: 2019-07-02. Review status: criteria provided, single submitter. Criteria: GeneDx Variant Classification Process June 2021. Collection method: clinical testing. Allele origin: germline. Affected: yes.
Comment: Not observed in large population cohorts (Lek et al., 2016); In-frame deletion of 1 amino acids in a non-repeat region; In silico analysis, which includes protein predictors and evolutionary conservation, supports a deleterious effect; Has not been previously published as pathogenic or benign to our knowledge